The following is an entry in ClinVar:

ClinVar aggregate classification (germline): Uncertain significance (1 of 4 stars; one submission).

Conditions:
Mitochondrial complex I deficiency, nuclear type 17. Also called: Mitochondrial complex 1 deficiency, nuclear type 17. Identifiers: MedGen C4748786, MONDO:0032622, OMIM 618239.

Submission:

3billion
Classification: Uncertain significance for Mitochondrial complex I deficiency, nuclear type 17. Last evaluated: 2025-01-31. Review status: criteria provided, single submitter. Criteria: ACMG Guidelines, 2015. Collection method: clinical testing. Allele origin: germline. Affected: yes.
Comment: The variant is not observed in the gnomAD v4.1.0 dataset. Predicted Consequence/Location: Inframe insertion located in a nonrepeat region: predicted to change the length of the protein and disrupt normal protein function. Therefore, this variant is classified as VUS according to the recommendation of ACMG/AMP guideline.

NM_152416.4(NDUFAF6):c.61_81dup (p.Leu27_Gly28insCysCysArgArgProProLeu)

Genes: NDUFAF6 (NADH:ubiquinone oxidoreductase complex assembly factor 6; plus strand), LOC113788297 (Sharpr-MPRA regulatory region 2014; plus strand). Cytogenetic location: 8q22.1.
Variant type: Duplication.
Coding change: c.61_81dup on transcript NM_152416.4 (MANE Select); coding-DNA positions 61 to 81, 21 bases duplicated (TGCTGCCGCCGGCCGCCTCTG).
Protein change: p.Leu27_Gly28insCysCysArgArgProProLeu.
Molecular consequence: inframe insertion. On other transcripts: 5 prime UTR variant (12), non-coding transcript variant (6), intron variant (7).
Genome position (GRCh38, 1-based): chr8:95,025,069-95,025,089, TGCTGCCGCCGGCCGCCTCTG duplicated; duplicating any 21 consecutive bases within chr8:95,025,066-95,025,089 gives the same sequence; the c. name uses the placement nearest the transcript's 3' end. VCF-style (leftmost placement, unchanged base first): chr8-95025065-C-CCTGTGCTGCCGCCGGCCGCCT. GRCh37 (hg19) VCF-style: chr8-96037293-C-CCTGTGCTGCCGCCGGCCGCCT.
Other names: c.-220_-200dup (NM_001330582.2, NM_001354521.2); c.-173_-153dup (NM_001354517.2); c.-392_-372dup (NM_001354518.2); c.-388_-368dup (NM_001354519.2); c.-737_-717dup (NM_001354527.2); c.-708_-688dup (NM_001354528.2); c.-520_-500dup (NM_001354529.2); c.-622_-602dup (NM_001354530.2); and 8 more.
Identifiers: ClinVar variation 4292574 (VCV004292574.1).